The following is an entry in ClinVar:

ClinVar aggregate classification (germline): Uncertain significance. Review status: criteria provided, multiple submitters, no conflicts (2 of 4 stars). 2 submissions from 2 submitters: Uncertain significance (2). Last evaluated 2024-11-18.

Conditions:
Hypercholesterolemia, autosomal dominant, 3 (FHCL3). Also called: Familial hypercholesterolemia 3; Familial Hypercholesterolemia, Autosomal Dominant, 3; PCSK9-Related Familial Hypercholesterolemia, Autosomal Dominant. Identifiers: MedGen C1863551, MONDO:0011369, OMIM 603776.
Familial hypercholesterolemia. Also called: Familial hypercholesterolaemia; Familial hypercholesterolemias. Identifiers: MedGen C0020445, MONDO:0005439.

Submissions (2):

Labcorp Genetics (formerly Invitae), Labcorp
Classification: Uncertain significance for Hypercholesterolemia, autosomal dominant, 3. Last evaluated: 2024-11-18. Review status: criteria provided, single submitter. Criteria: Invitae Variant Classification Sherloc (09022015). Collection method: clinical testing. Allele origin: germline.
Comment: This sequence change replaces alanine, which is neutral and non-polar, with serine, which is neutral and polar, at codon 451 of the PCSK9 protein (p.Ala451Ser). This variant is not present in population databases (gnomAD no frequency). This variant has not been reported in the literature in individuals affected with PCSK9-related conditions. ClinVar contains an entry for this variant (Variation ID: 947615). Invitae Evidence Modeling of protein sequence and biophysical properties (such as structural, functional, and spatial information, amino acid conservation, physicochemical variation, residue mobility, and thermodynamic stability) indicates that this missense variant is not expected to disrupt PCSK9 protein function with a negative predictive value of 80%. In summary, the available evidence is currently insufficient to determine the role of this variant in disease. Therefore, it has been classified as a Variant of Uncertain Significance.

Color Diagnostics, LLC DBA Color Health
Classification: Uncertain significance for Familial hypercholesterolemia. Last evaluated: 2024-08-26. Review status: criteria provided, single submitter. Criteria: ACMG Guidelines, 2015. Collection method: clinical testing. Allele origin: germline.
Comment: This missense variant replaces alanine with serine at codon 451 of the PCSK9 protein. Computational prediction suggests that this variant may not impact protein structure and function (internally defined REVEL score threshold <= 0.5, PMID: 27666373). To our knowledge, functional studies have not been reported for this variant. This variant has not been reported in individuals affected with PCSK9-related disorders in the literature. This variant has not been identified in the general population by the Genome Aggregation Database (gnomAD). The available evidence is insufficient to determine the role of this variant in disease conclusively. Therefore, this variant is classified as a Variant of Uncertain Significance.

NM_174936.4(PCSK9):c.1351G>T (p.Ala451Ser)

Gene: PCSK9 (proprotein convertase subtilisin/kexin type 9; plus strand). Cytogenetic location: 1p32.3.
Variant type: single nucleotide variant.
Coding change: c.1351G>T on transcript NM_174936.4 (MANE Select); coding-DNA position 1351, G replaced by T.
Protein change: p.Ala451Ser; replaces alanine 451 with serine.
Molecular consequence: missense variant.
Genome position (GRCh38, 1-based): chr1:55,058,206, G>T. VCF-style: chr1-55058206-G-T. GRCh37 (hg19) VCF-style: chr1-55523879-G-T.
Other names: short protein forms A451S.
Identifiers: ClinVar variation 947615 (VCV000947615.11), dbSNP rs983143621, ClinGen allele CA340477650.